The following is an entry in ClinVar:

ClinVar aggregate classification (germline): Uncertain significance (1 of 4 stars; one submission).

Conditions:
Inborn genetic diseases. Identifiers: MedGen C0950123, MeSH D030342.

Allele frequency attached by ClinVar (database versions not stated): gnomAD exomes below 0.00001.
gnomAD v4.1: 2 of 1,614,076 alleles (0.00012%); highest among the groups gnomAD compares: Non-Finnish European, 0.00017%; no homozygotes.

Submission:

Ambry Genetics
Classification: Uncertain significance for Inborn genetic diseases. Last evaluated: 2024-03-23. Review status: criteria provided, single submitter. Criteria: Ambry Variant Classification Scheme 2023. Collection method: clinical testing. Allele origin: germline.
Comment: The p.L40P variant (also known as c.119T>C), located in coding exon 3 of the ERCC2 gene, results from a T to C substitution at nucleotide position 119. The leucine at codon 40 is replaced by proline, an amino acid with similar properties. This amino acid position is conserved. In addition, this alteration is predicted to be deleterious by in silico analysis. Since supporting evidence is limited at this time, the clinical significance of this alteration remains unclear.

NM_000400.4(ERCC2):c.119T>C (p.Leu40Pro)

Gene: ERCC2 (ERCC excision repair 2, TFIIH core complex helicase subunit; minus strand). Cytogenetic location: 19q13.32.
Variant type: single nucleotide variant.
Coding change: c.119T>C on transcript NM_000400.4 (MANE Select); coding-DNA position 119, T replaced by C.
Protein change: p.Leu40Pro; replaces leucine 40 with proline.
Molecular consequence: missense variant.
Genome position (GRCh38, 1-based): chr19:45,369,134, A>G on the plus strand (T>C on the coding strand, the complement: ERCC2 is on the minus strand). VCF-style: chr19-45369134-A-G. GRCh37 (hg19) VCF-style: chr19-45872392-A-G.
Other names: c.47T>C, p.Leu16Pro (NM_001130867.2); short protein forms L40P, L16P.
Identifiers: ClinVar variation 1746961 (VCV001746961.2), dbSNP rs1972524332, ClinGen allele CA406379646.
Genomic context (GRCh38, chr19:45,369,134, plus strand): 5'-TGGTATGCCATGATCAGGGCCAACAGGGATACTGTCTTCCCGGTGCCTGAGGGCATCTCC[A>G]GGACTCCATGACCCTGCATGTTGGGGACCAGAGGGGCAACACACAGGGTCTCAGAACCTT-3'
Protein context (NP_000391.1, residues 30-50): RTLDAKGHGV[Leu40Pro]EMPSGTGKTV